The following is an entry in ClinVar:

NM_002439.5(MSH3):c.2259G>A (p.Met753Ile)

Gene: MSH3 (mutS homolog 3; plus strand). Cytogenetic location: 5q14.1.
Variant type: single nucleotide variant.
Coding change: c.2259G>A on transcript NM_002439.5 (MANE Select); coding-DNA position 2259, G replaced by A.
Protein change: p.Met753Ile; replaces methionine 753 with isoleucine.
Molecular consequence: missense variant.
Genome position (GRCh38, 1-based): chr5:80,775,699, G>A. VCF-style: chr5-80775699-G-A. GRCh37 (hg19) VCF-style: chr5-80071518-G-A.
Other names: short protein forms M753I.
Identifiers: ClinVar variation 1414382 (VCV001414382.7), dbSNP rs1171721024, ClinGen allele CA360280685.

ClinVar aggregate classification (germline): Uncertain significance. Review status: criteria provided, multiple submitters, no conflicts (2 of 4 stars). 2 submissions from 2 submitters: Uncertain significance (2). Last evaluated 2025-01-06.

Conditions:
Hereditary cancer-predisposing syndrome. Also called: Hereditary Cancer Syndrome; Tumor predisposition; Hereditary neoplastic syndrome; Neoplastic Syndromes, Hereditary. Identifiers: Orphanet 140162, MedGen C0027672, MeSH D009386, MONDO:0015356.

Allele frequency attached by ClinVar (database versions not stated): gnomAD exomes below 0.00001; gnomAD 0.00001.
gnomAD v4.1: 3 of 1,529,598 alleles (0.0002%); highest among the groups gnomAD compares: South Asian, 0.0011%; no homozygotes.

Submissions (2):

Ambry Genetics
Classification: Uncertain significance for Hereditary cancer-predisposing syndrome. Last evaluated: 2025-01-06. Review status: criteria provided, single submitter. Criteria: Ambry Variant Classification Scheme 2023. Collection method: clinical testing. Allele origin: germline.
Comment: The p.M753I variant (also known as c.2259G>A), located in coding exon 16 of the MSH3 gene, results from a G to A substitution at nucleotide position 2259. The methionine at codon 753 is replaced by isoleucine, an amino acid with highly similar properties. This amino acid position is not well conserved in available vertebrate species. In addition, the in silico prediction for this alteration is inconclusive. Since supporting evidence is limited at this time, the clinical significance of this alteration remains unclear.

Labcorp Genetics (formerly Invitae), Labcorp
Classification: Uncertain significance. Last evaluated: 2022-10-02. Review status: criteria provided, single submitter. Criteria: Invitae Variant Classification Sherloc (09022015). Collection method: clinical testing. Allele origin: germline.
Comment: In summary, the available evidence is currently insufficient to determine the role of this variant in disease. Therefore, it has been classified as a Variant of Uncertain Significance. Algorithms developed to predict the effect of missense changes on protein structure and function (SIFT, PolyPhen-2, Align-GVGD) all suggest that this variant is likely to be tolerated. ClinVar contains an entry for this variant (Variation ID: 1414382). This variant has not been reported in the literature in individuals affected with MSH3-related conditions. This variant is present in population databases (no rsID available, gnomAD 0.007%). This sequence change replaces methionine, which is neutral and non-polar, with isoleucine, which is neutral and non-polar, at codon 753 of the MSH3 protein (p.Met753Ile).